The following is an entry in ClinVar:

NM_001040108.2(MLH3):c.2983del (p.Gln994_Ile995insTer)

Gene: MLH3 (mutL homolog 3; minus strand). Cytogenetic location: 14q24.3.
Variant type: Deletion.
Coding change: c.2983del on transcript NM_001040108.2 (MANE Select); coding-DNA position 2983, one base deleted (A; older notation c.2983delA).
Protein change: p.Gln994_Ile995insTer.
Molecular consequence: nonsense.
Genome position (GRCh38, 1-based): chr14:75,046,673, T deleted on the plus strand (A on the coding strand, the reverse complement: MLH3 is on the minus strand). VCF-style (leftmost placement, unchanged base first): chr14-75046672-AT-A. GRCh37 (hg19) VCF-style: chr14-75513375-AT-A.
Other names: c.2983del, p.Gln994_Ile995insTer (NM_014381.3).
Identifiers: ClinVar variation 4812997 (VCV004812997.1).

ClinVar aggregate classification (germline): Pathogenic (1 of 4 stars; one submission).

Conditions:
Colorectal cancer, hereditary nonpolyposis, type 7. Identifiers: Orphanet 144, MedGen C1858380, MONDO:0013725, OMIM 614385.

Submission:

Myriad Genetics, Inc.
Classification: Pathogenic for Colorectal cancer, hereditary nonpolyposis, type 7. Last evaluated: 2025-11-20. Review status: criteria provided, single submitter. Criteria: Myriad Autosomal Dominant, Autosomal Recessive and X-Linked Classification Criteria (2023). Collection method: clinical testing. Allele origin: unknown.
Comment: This variant is considered pathogenic. This variant creates a termination codon and is predicted to result in premature protein truncation.